The following is an entry in ClinVar:

ClinVar aggregate classification (germline): Uncertain significance (1 of 4 stars; one submission).

Conditions:
Arrhythmogenic right ventricular dysplasia 13. Also called: ARRHYTHMOGENIC RIGHT VENTRICULAR CARDIOMYOPATHY 13; Arrhythmogenic right ventricular dysplasia, familial, 13. Identifiers: MedGen C3810138, MONDO:0000908, OMIM 615616.

Submission:

Labcorp Genetics (formerly Invitae), Labcorp
Classification: Uncertain significance for Arrhythmogenic right ventricular dysplasia 13. Last evaluated: 2022-07-19. Review status: criteria provided, single submitter. Criteria: Invitae Variant Classification Sherloc (09022015). Collection method: clinical testing. Allele origin: germline.
Comment: In summary, the available evidence is currently insufficient to determine the role of this variant in disease. Therefore, it has been classified as a Variant of Uncertain Significance. Algorithms developed to predict the effect of missense changes on protein structure and function are either unavailable or do not agree on the potential impact of this missense change (SIFT: "Tolerated"; PolyPhen-2: "Not Available"; Align-GVGD: "Class C0"). ClinVar contains an entry for this variant (Variation ID: 1051735). This variant has not been reported in the literature in individuals affected with CTNNA3-related conditions. This variant is not present in population databases (gnomAD no frequency). This sequence change replaces histidine, which is basic and polar, with asparagine, which is neutral and polar, at codon 549 of the CTNNA3 protein (p.His549Asn).

NM_013266.4(CTNNA3):c.1645C>A (p.His549Asn)

Gene: CTNNA3 (catenin alpha 3; minus strand). Cytogenetic location: 10q21.3.
Variant type: single nucleotide variant.
Coding change: c.1645C>A on transcript NM_013266.4 (MANE Select); coding-DNA position 1645, C replaced by A.
Protein change: p.His549Asn; replaces histidine 549 with asparagine.
Molecular consequence: missense variant.
Genome position (GRCh38, 1-based): chr10:66,379,239, G>T on the plus strand (C>A on the coding strand, the complement: CTNNA3 is on the minus strand). VCF-style: chr10-66379239-G-T. GRCh37 (hg19) VCF-style: chr10-68138997-G-T.
Other names: c.1645C>A, p.His549Asn (NM_001127384.3); short protein forms H549N.
Identifiers: ClinVar variation 1051735 (VCV001051735.10), dbSNP rs1302576659, ClinGen allele CA377090377.